The following is an entry in ClinVar:

ClinVar aggregate classification (germline): Uncertain significance (1 of 4 stars; one submission).

gnomAD v4.1: 16 of 1,614,104 alleles (0.00099%); highest among the groups gnomAD compares: African/African-American, 0.0013%; no homozygotes.

Submission:

CeGaT Center for Human Genetics Tuebingen
Classification: Uncertain significance. Last evaluated: 2025-09-01. Review status: criteria provided, single submitter. Criteria: CeGaT Center For Human Genetics Tuebingen Variant Classification Criteria Version 2. Collection method: clinical testing. Allele origin: germline. Affected: yes. Observed: 1 variant allele.
Comment: SYNE1: PM2, BP4

NM_182961.4(SYNE1):c.3973G>A (p.Glu1325Lys)

Gene: SYNE1 (spectrin repeat containing nuclear envelope protein 1; minus strand). Cytogenetic location: 6q25.2.
Variant type: single nucleotide variant.
Coding change: c.3973G>A on transcript NM_182961.4 (MANE Select); coding-DNA position 3973, G replaced by A.
Protein change: p.Glu1325Lys; replaces glutamic acid 1325 with lysine.
Molecular consequence: missense variant.
Genome position (GRCh38, 1-based): chr6:152,442,110, C>T on the plus strand (G>A on the coding strand, the complement: SYNE1 is on the minus strand). VCF-style: chr6-152442110-C-T. GRCh37 (hg19) VCF-style: chr6-152763245-C-T.
Other names: c.3994G>A, p.Glu1332Lys (NM_033071.5); short protein forms E1325K, E1332K.
Identifiers: ClinVar variation 4281220 (VCV004281220.7).